The following is an entry in ClinVar:

NM_004595.5(SMS):c.946G>A (p.Gly316Arg)

Gene: SMS (spermine synthase; plus strand). Cytogenetic location: Xp22.11.
Variant type: single nucleotide variant.
Coding change: c.946G>A on transcript NM_004595.5 (MANE Select); coding-DNA position 946, G replaced by A.
Protein change: p.Gly316Arg; replaces glycine 316 with arginine.
Molecular consequence: missense variant.
Genome position (GRCh38, 1-based): chrX:21,992,597, G>A. VCF-style: chrX-21992597-G-A. GRCh37 (hg19) VCF-style: chrX-22010715-G-A.
Other names: c.787G>A, p.Gly263Arg (NM_001258423.2); short protein forms G263R, G316R.
Identifiers: ClinVar variation 3343756 (VCV003343756.1).
Genomic context (GRCh38, chrX:21,992,597, plus strand): 5'-GATGAGTGGGGCCCTTGGAAGGACTCAAGAATCCCATTTGCTTATCTCTCTTTGATTTAG[G>A]GGAACTGTGTCAATCTGACAGAAGCACTGTCGCTCTATGAAGAACAGCTGGGGCGCCTGT-3'
Protein context (NP_004586.2, residues 306-326): LKQDGKYFTQ[Gly316Arg]NCVNLTEALS

ClinVar aggregate classification (germline): Uncertain significance (1 of 4 stars; one submission).

Submission:

GeneDx
Classification: Uncertain significance. Last evaluated: 2023-05-23. Review status: criteria provided, single submitter. Criteria: GeneDx Variant Classification Process June 2021. Collection method: clinical testing. Allele origin: germline. Affected: yes.
Comment: Has not been previously published as pathogenic or benign to our knowledge; Not observed at significant frequency in large population cohorts (gnomAD); In silico analysis supports that this missense variant has a deleterious effect on protein structure/function